The following is an entry in ClinVar:

NM_000059.4(BRCA2):c.6325_6326del (p.Arg2108_Val2109insTer)

Gene: BRCA2 (BRCA2 DNA repair associated; plus strand). Cytogenetic location: 13q13.1.
Variant type: Microsatellite.
Coding change: c.6325_6326del on transcript NM_000059.4 (MANE Select); coding-DNA positions 6325 to 6326, 2 bases deleted (GT; older notation c.6325_6326delGT).
Protein change: p.Arg2108_Val2109insTer.
Molecular consequence: nonsense.
Genome position (GRCh38, 1-based): chr13:32,340,680-32,340,681, GT deleted; deleting any 2 consecutive bases within chr13:32,340,678-32,340,681 gives the same sequence; the c. name uses the placement nearest the transcript's 3' end. VCF-style (leftmost placement, unchanged base first): chr13-32340677-CGT-C. GRCh37 (hg19) VCF-style: chr13-32914814-CGT-C.
Other names: 6553delGT; c.6325_6326delGT (NM_000059.3).
Identifiers: ClinVar variation 52066 (VCV000052066.6), dbSNP rs276174871, ClinGen allele CA023910.

ClinVar aggregate classification (germline): Pathogenic. Review status: reviewed by expert panel (3 of 4 stars). 4 submissions from 4 submitters: Pathogenic (1). 3 of the submissions do not count toward it. Last evaluated 2016-09-08.

Conditions:
Hereditary breast ovarian cancer syndrome. Also called: Hereditary breast and ovarian cancer syndrome; Hereditary breast and ovarian cancer; Hereditary breast and ovarian cancer syndrome (HBOC); Breast and ovarian cancer; Hereditary breast and/or ovarian cancer syndrome; BRCA1- and BRCA2-Associated Hereditary Breast and Ovarian Cancer. Identifiers: Orphanet 145, MedGen C0677776, MeSH D061325, MONDO:0003582. Disease mechanism: loss of function.
Breast-ovarian cancer, familial, susceptibility to, 2 (BROVCA2). Also called: BRCA2 Hereditary Breast and Ovarian Cancer. Identifiers: Orphanet 145, MedGen C2675520, MONDO:0012933, OMIM 612555. Disease mechanism: loss of function.

Submissions (4):

Evidence-based Network for the Interpretation of Germline Mutant Alleles (ENIGMA)
Classification: Pathogenic for Breast-ovarian cancer, familial, susceptibility to, 2. Last evaluated: 2016-09-08. Review status: reviewed by expert panel. Criteria: ENIGMA BRCA1/2 Classification Criteria (2015). Collection method: curation. Allele origin: germline.
Comment: Variant allele predicted to encode a truncated non-functional protein.

Labcorp Genetics (formerly Invitae), Labcorp
Classification: Pathogenic for Hereditary breast ovarian cancer syndrome. Last evaluated: 2025-03-04. Review status: criteria provided, single submitter. Criteria: Invitae Variant Classification Sherloc (09022015). Collection method: clinical testing. Allele origin: germline. Not counted in ClinVar's aggregate classification.
Comment: This sequence change creates a premature translational stop signal (p.Val2109*) in the BRCA2 gene. It is expected to result in an absent or disrupted protein product. Loss-of-function variants in BRCA2 are known to be pathogenic (PMID: 20104584). This variant is not present in population databases (gnomAD no frequency). This premature translational stop signal has been observed in individual(s) with breast and/or ovarian cancer (PMID: 18627636, 30702160). For these reasons, this variant has been classified as Pathogenic.

Consortium of Investigators of Modifiers of BRCA1/2 (CIMBA), c/o University of Cambridge
Classification: Pathogenic for Breast-ovarian cancer, familial, susceptibility to, 2. Last evaluated: 2015-10-02. Review status: criteria provided, single submitter. Criteria: CIMBA Mutation Classification guidelines May 2016. Collection method: clinical testing. Allele origin: germline. Not counted in ClinVar's aggregate classification.

Breast Cancer Information Core (BIC) (BRCA2)
Classification: Pathogenic for Breast-ovarian cancer, familial 2. Last evaluated: 2010-09-18. Review status: no assertion criteria provided. Collection method: clinical testing. Allele origin: germline. Affected: yes. Observed: 1 variant allele. Not counted in ClinVar's aggregate classification.

Literature cited by the submitters: PubMed 20104584 (cited by Labcorp Genetics (formerly Invitae), Labcorp); PubMed 18627636 (cited by Labcorp Genetics (formerly Invitae), Labcorp); PubMed 30702160 (cited by Labcorp Genetics (formerly Invitae), Labcorp).